The following is an entry in ClinVar:

NM_032122.5(DTNBP1):c.811+31C>T

Gene: DTNBP1 (dystrobrevin binding protein 1; minus strand). Cytogenetic location: 6p22.3.
Variant type: single nucleotide variant.
Coding change: c.811+31C>T on transcript NM_032122.5 (MANE Select); 31 bases into the intron after coding-DNA position 811, C replaced by T.
Molecular consequence: intron variant. On other transcripts: missense variant (1), non-coding transcript variant (1).
Genome position (GRCh38, 1-based): chr6:15,524,495, G>A on the plus strand (C>T on the coding strand, the complement: DTNBP1 is on the minus strand). VCF-style: chr6-15524495-G-A. GRCh37 (hg19) VCF-style: chr6-15524726-G-A.
Other names: c.842C>T, p.Pro281Leu (NM_183040.2); c.706+31C>T (NM_001271669.2); c.760+31C>T (NM_001271668.2); c.568+31C>T (NM_001271667.2); short protein forms P281L.
Identifiers: ClinVar variation 1304036 (VCV001304036.2), dbSNP rs777114347, ClinGen allele CA3643882.

ClinVar aggregate classification (germline): Uncertain significance (1 of 4 stars; one submission).

Allele frequency attached by ClinVar (database versions not stated): gnomAD 0.00001 and 0.00003; TOPMed 0.00003; gnomAD exomes 0.00008 and 0.00010; ExAC 0.00014.
gnomAD v4.1: 113 of 1,610,194 alleles (0.007%); highest among the groups gnomAD compares: East Asian, 0.24%; no homozygotes.

Submission:

GeneDx
Classification: Uncertain significance. Last evaluated: 2020-04-09. Review status: criteria provided, single submitter. Criteria: GeneDx Variant Classification Process June 2021. Collection method: clinical testing. Allele origin: germline. Affected: yes.
Comment: In silico analysis supports that this missense variant does not alter protein structure/function; Has not been previously published as pathogenic or benign to our knowledge